The following is an entry in ClinVar:

NM_003265.3(TLR3):c.2519T>C (p.Ile840Thr)

Gene: TLR3 (toll like receptor 3; plus strand). Cytogenetic location: 4q35.1.
Variant type: single nucleotide variant.
Coding change: c.2519T>C on transcript NM_003265.3 (MANE Select); coding-DNA position 2519, T replaced by C.
Protein change: p.Ile840Thr; replaces isoleucine 840 with threonine.
Molecular consequence: missense variant.
Genome position (GRCh38, 1-based): chr4:186,084,677, T>C. VCF-style: chr4-186084677-T-C. GRCh37 (hg19) VCF-style: chr4-187005831-T-C.
Other names: short protein forms I840T.
Identifiers: ClinVar variation 3690543 (VCV003690543.2).
Genomic context (GRCh38, chr4:186,084,677, plus strand): 5'-TAATTCTTCAATACATTTTTTTACTTAGATTCAAGGTACATCATGCAGTTCAACAAGCTA[T>C]TGAACAAAATCTGGATTCCATTATATTGGTTTTCCTTGAGGAGATTCCAGATTATAAACT-3'
Protein context (NP_003256.1, residues 830-850): FKVHHAVQQA[Ile840Thr]EQNLDSIILV

ClinVar aggregate classification (germline): Uncertain significance (1 of 4 stars; one submission).

Conditions:
Encephalopathy, acute, infection-induced (herpes-specific), susceptibility to, 1. Also called: Herpes simplex encephalitis, susceptibility to, 1. Identifiers: Orphanet 1930, MedGen C2750180, MONDO:0024563, OMIM 610551.

Submission:

Labcorp Genetics (formerly Invitae), Labcorp
Classification: Uncertain significance for Encephalopathy, acute, infection-induced (herpes-specific), susceptibility to, 1. Last evaluated: 2024-08-02. Review status: criteria provided, single submitter. Criteria: Invitae Variant Classification Sherloc (09022015). Collection method: clinical testing. Allele origin: germline.
Comment: This sequence change replaces isoleucine, which is neutral and non-polar, with threonine, which is neutral and polar, at codon 840 of the TLR3 protein (p.Ile840Thr). This variant is not present in population databases (gnomAD no frequency). This variant has not been reported in the literature in individuals affected with TLR3-related conditions. An algorithm developed to predict the effect of missense changes on protein structure and function (PolyPhen-2) suggests that this variant is likely to be disruptive. In summary, the available evidence is currently insufficient to determine the role of this variant in disease. Therefore, it has been classified as a Variant of Uncertain Significance.